The following is an entry in ClinVar:

NM_198253.3(TERT):c.2286C>T (p.His762=)

Gene: TERT (telomerase reverse transcriptase; minus strand). Cytogenetic location: 5p15.33.
Variant type: single nucleotide variant.
Coding change: c.2286C>T on transcript NM_198253.3 (MANE Select); coding-DNA position 2286, C replaced by T.
Protein change: p.His762=; no amino-acid change (histidine 762 retained).
Molecular consequence: synonymous variant. On other transcripts: non-coding transcript variant (2).
Genome position (GRCh38, 1-based): chr5:1,278,641, G>A on the plus strand (C>T on the coding strand, the complement: TERT is on the minus strand). VCF-style: chr5-1278641-G-A. GRCh37 (hg19) VCF-style: chr5-1278756-G-A.
Other names: c.2286C>T, p.His762= (NM_001193376.3).
Identifiers: ClinVar variation 471860 (VCV000471860.12), dbSNP rs768062052, ClinGen allele CA3184610.

ClinVar aggregate classification (germline): Conflicting classifications of pathogenicity. Review status: criteria provided, conflicting classifications (1 of 4 stars). 3 submissions from 3 submitters: Uncertain significance (1); Likely benign (1). 1 of the submissions does not count toward it. Last evaluated 2026-01-17.

Conditions:
Idiopathic Pulmonary Fibrosis. Also called: Idiopathic fibrosing alveolitis, chronic form; idiopathic fibrosing alveolitis. Identifiers: Orphanet 2032, MedGen C1800706, MeSH D054990, MONDO:0800504.
Dyskeratosis congenita, autosomal dominant 2. Identifiers: MedGen C3151443, MONDO:0013521, OMIM 613989.
TERT-related disorder. Also called: TERT-related disorders; TERT-related condition.
Dyskeratosis congenita. Identifiers: Orphanet 1775, MedGen C0265965, MONDO:0015780.

Allele frequency attached by ClinVar (database versions not stated): gnomAD 0.00001; TOPMed 0.00001; gnomAD exomes 0.00002 and 0.00003; ExAC 0.00005.
gnomAD v4.1: 32 of 1,613,998 alleles (0.002%); highest among the groups gnomAD compares: South Asian, 0.023%; no homozygotes.

Submissions (3):

Labcorp Genetics (formerly Invitae), Labcorp
Classification: Uncertain significance for Dyskeratosis congenita, autosomal dominant 2; Idiopathic Pulmonary Fibrosis. Last evaluated: 2026-01-17. Review status: criteria provided, single submitter. Criteria: Invitae Variant Classification Sherloc (09022015). Collection method: clinical testing. Allele origin: germline.
Comment: This sequence change affects codon 762 of the TERT mRNA. It is a 'silent' change, meaning that it does not change the encoded amino acid sequence of the TERT protein. It affects a nucleotide within the consensus splice site. This variant is present in population databases (rs768062052, gnomAD 0.02%). This variant has not been reported in the literature in individuals affected with TERT-related conditions. ClinVar contains an entry for this variant (Variation ID: 471860). Algorithms developed to predict the effect of sequence changes on RNA splicing suggest that this variant is not likely to affect RNA splicing. In summary, the available evidence is currently insufficient to determine the role of this variant in disease. Therefore, it has been classified as a Variant of Uncertain Significance.

Ambry Genetics
Classification: Likely benign for Dyskeratosis congenita. Last evaluated: 2025-04-02. Review status: criteria provided, single submitter. Criteria: Ambry Variant Classification Scheme 2023. Collection method: clinical testing. Allele origin: germline.

PreventionGenetics, part of Exact Sciences
Classification: Likely benign for TERT-related condition. Last evaluated: 2020-05-22. Review status: no assertion criteria provided. Collection method: clinical testing. Allele origin: germline. Not counted in ClinVar's aggregate classification.
Comment: This variant is classified as likely benign based on ACMG/AMP sequence variant interpretation guidelines (Richards et al. 2015 PMID: 25741868, with internal and published modifications).